The following is an entry in ClinVar:

ClinVar aggregate classification (germline): Benign. Review status: criteria provided, multiple submitters, no conflicts (2 of 4 stars). 4 submissions from 3 submitters: Benign (4). Last evaluated 2026-01-12.

Conditions:
Supravalvar aortic stenosis (SVAS). Also called: Supravalvar aortic stenosis, Eisenberg type. Identifiers: Orphanet 3193, MedGen C0003499, MONDO:0008504, OMIM 185500, HP:0004381.
Cutis laxa, autosomal dominant 1 (ADCL1). Also called: ELN-Related Cutis Laxa. Identifiers: Orphanet 90348, MedGen C3276539, MONDO:0007411, OMIM 123700. Disease mechanism: Dominant Negative.

Allele frequency attached by ClinVar (database versions not stated): gnomAD 0.00016 and 0.00074; TOPMed 0.00023; ESP Exome Variant Server 0.00031; gnomAD exomes 0.00129 and 0.00246; ExAC 0.00250; 1000 Genomes Project 30x 0.00344; 1000 Genomes Project 0.00399.
gnomAD v4.1: 1,987 of 1,613,828 alleles (0.12%); highest among the groups gnomAD compares: South Asian, 1.9%; 28 homozygotes.

Submissions (4):

Labcorp Genetics (formerly Invitae), Labcorp
Classification: Benign for Supravalvar aortic stenosis. Last evaluated: 2026-01-12. Review status: criteria provided, single submitter. Criteria: Invitae Variant Classification Sherloc (09022015). Collection method: clinical testing. Allele origin: germline.

GeneDx
Classification: Benign. Last evaluated: 2020-10-29. Review status: criteria provided, single submitter. Criteria: GeneDx Variant Classification Process June 2021. Collection method: clinical testing. Allele origin: germline. Affected: yes.

Illumina Laboratory Services, Illumina
Classification: Benign for Supravalvar aortic stenosis. Last evaluated: 2018-01-12. Review status: criteria provided, single submitter. Criteria: ICSL Variant Classification Criteria 13 December 2019. Collection method: clinical testing. Allele origin: germline.
Comment: This variant was observed in the ICSL laboratory as part of a predisposition screen in an ostensibly healthy population. It had not been previously curated by ICSL or reported in the Human Gene Mutation Database (HGMD: prior to June 1st, 2018), and was therefore a candidate for classification through an automated scoring system. Utilizing variant allele frequency, disease prevalence and penetrance estimates, and inheritance mode, an automated score was calculated to assess if this variant is too frequent to cause the disease. Based on the score and internal cut-off values, a variant classified as benign is not then subjected to further curation. The score for this variant resulted in a classification of benign for this disease.

Illumina Laboratory Services, Illumina
Classification: Benign for Cutis laxa, autosomal dominant 1. Last evaluated: 2018-01-12. Review status: criteria provided, single submitter. Criteria: ICSL Variant Classification Criteria 13 December 2019. Collection method: clinical testing. Allele origin: germline.
Comment: the same text as in the submission from Illumina Laboratory Services, Illumina above.

NM_000501.4(ELN):c.1338C>T (p.Ala446=)

Gene: ELN (elastin; plus strand). Cytogenetic location: 7q11.23.
Variant type: single nucleotide variant.
Coding change: c.1338C>T on transcript NM_000501.4 (MANE Select); coding-DNA position 1338, C replaced by T.
Protein change: p.Ala446=; no amino-acid change (alanine 446 retained).
Molecular consequence: synonymous variant.
Genome position (GRCh38, 1-based): chr7:74,056,694, C>T. VCF-style: chr7-74056694-C-T. GRCh37 (hg19) VCF-style: chr7-73471024-C-T.
Other names: c.1308C>T, p.Ala436= (NM_001081752.3, NM_001278917.2); c.1353C>T, p.Ala451= (NM_001081753.3, NM_001081754.3); c.1338C>T, p.Ala446= (NM_001081755.3, NM_001278912.2, NM_001278915.2 and 1 more transcripts); c.1152C>T, p.Ala384= (NM_001278913.2); c.1323C>T, p.Ala441= (NM_001278914.2); c.1296C>T, p.Ala432= (NM_001278916.2); c.1128C>T, p.Ala376= (NM_001278918.2).
Identifiers: ClinVar variation 360653 (VCV000360653.16), dbSNP rs146576615, ClinGen allele CA4292949.